The following is an entry in ClinVar:

ClinVar aggregate classification (germline): Benign/Likely benign. Review status: criteria provided, multiple submitters, no conflicts (2 of 4 stars). 4 submissions from 4 submitters: Benign (1); Likely benign (3). Last evaluated 2025-10-09.

Conditions:
Autosomal dominant cerebellar ataxia. Also called: Spinocerebellar Ataxia, Dominant. Identifiers: Orphanet 99, MedGen C4087347, MONDO:0020380.

Allele frequency attached by ClinVar (database versions not stated): gnomAD exomes 0.00011 and 0.00023; ExAC 0.00023; ESP Exome Variant Server 0.00024; gnomAD 0.00028 and 0.00029; 1000 Genomes Project 0.00040; TOPMed 0.00040; 1000 Genomes Project 30x 0.00062.
gnomAD v4.1: 215 of 1,592,536 alleles (0.014%); highest among the groups gnomAD compares: African/African-American, 0.082%; no homozygotes.

Submissions (4):

Labcorp Genetics (formerly Invitae), Labcorp
Classification: Likely benign. Last evaluated: 2025-10-09. Review status: criteria provided, single submitter. Criteria: Invitae Variant Classification Sherloc (09022015). Collection method: clinical testing. Allele origin: germline.

CeGaT Center for Human Genetics Tuebingen
Classification: Likely benign. Last evaluated: 2025-09-01. Review status: criteria provided, single submitter. Criteria: CeGaT Center For Human Genetics Tuebingen Variant Classification Criteria Version 2. Collection method: clinical testing. Allele origin: germline. Affected: yes. Observed: 1 variant allele.
Comment: ITPR1: BP4, BP7

Illumina Laboratory Services, Illumina
Classification: Likely benign for Spinocerebellar Ataxia, Dominant. Last evaluated: 2018-01-12. Review status: criteria provided, single submitter. Criteria: ICSL Variant Classification Criteria 13 December 2019. Collection method: clinical testing. Allele origin: germline.
Comment: This variant was observed in the ICSL laboratory as part of a predisposition screen in an ostensibly healthy population. It had not been previously curated by ICSL or reported in the Human Gene Mutation Database (HGMD: prior to June 1st, 2018), and was therefore a candidate for classification through an automated scoring system. Utilizing variant allele frequency, disease prevalence and penetrance estimates, and inheritance mode, an automated score was calculated to assess if this variant is too frequent to cause the disease. Based on the score and internal cut-off values, a variant classified as likely benign is not then subjected to further curation. The score for this variant resulted in a classification of likely benign for this disease.

Athena Diagnostics
Classification: Benign. Last evaluated: 2016-11-03. Review status: criteria provided, single submitter. Criteria: Athena Diagnostics Criteria. Collection method: clinical testing. Allele origin: germline.

NM_001378452.1(ITPR1):c.7986C>T (p.Thr2662=)

Gene: ITPR1 (inositol 1,4,5-trisphosphate receptor type 1; plus strand). Cytogenetic location: 3p26.1.
Variant type: single nucleotide variant.
Coding change: c.7986C>T on transcript NM_001378452.1 (MANE Select); coding-DNA position 7986, C replaced by T.
Protein change: p.Thr2662=; no amino-acid change (threonine 2662 retained).
Molecular consequence: synonymous variant.
Genome position (GRCh38, 1-based): chr3:4,818,200, C>T. VCF-style: chr3-4818200-C-T. GRCh37 (hg19) VCF-style: chr3-4859884-C-T.
Other names: c.7842C>T, p.Thr2614= (NM_001099952.4); c.7941C>T, p.Thr2647= (NM_001168272.2); c.7797C>T, p.Thr2599= (NM_002222.7).
Identifiers: ClinVar variation 447604 (VCV000447604.20), dbSNP rs368405302, ClinGen allele CA2233018.